The following is an entry in ClinVar:

ClinVar aggregate classification (germline): Uncertain significance (1 of 4 stars; one submission).

Submission:

Women's Health and Genetics/Laboratory Corporation of America, LabCorp
Classification: Uncertain significance. Last evaluated: 2025-11-13. Review status: criteria provided, single submitter. Criteria: LabCorp Variant Classification Summary - May 2015. Collection method: clinical testing. Allele origin: germline.
Comment: Variant summary: ZFYVE26 c.3535G>A (p.Val1179Ile) results in a conservative amino acid change in the encoded protein sequence. Algorithms developed to predict the effect of missense changes on protein structure and function are either unavailable or do not agree on the potential impact of this missense change. The variant was absent in 251392 control chromosomes. The available data on variant occurrences in the general population are insufficient to allow any conclusion about variant significance. c.3535G>A has been observed in an individual affected with late-onset distal motor neuropathy and pyramidal tract signs (Liu_2020). These data do not allow any conclusion about variant significance. To our knowledge, no experimental evidence demonstrating an impact on protein function has been reported. The following publication has been ascertained in the context of this evaluation (PMID: 32298515). No submitters have cited clinical-significance assessments for this variant to ClinVar. Based on the evidence outlined above, the variant was classified as uncertain significance.

Literature cited by the submitters: PubMed 32298515.

NM_015346.4(ZFYVE26):c.3535G>A (p.Val1179Ile)

Gene: ZFYVE26 (zinc finger FYVE-type containing 26; minus strand). Cytogenetic location: 14q24.1.
Variant type: single nucleotide variant.
Coding change: c.3535G>A on transcript NM_015346.4 (MANE Select); coding-DNA position 3535, G replaced by A.
Protein change: p.Val1179Ile; replaces valine 1179 with isoleucine.
Molecular consequence: missense variant.
Genome position (GRCh38, 1-based): chr14:67,784,425, C>T on the plus strand (G>A on the coding strand, the complement: ZFYVE26 is on the minus strand). VCF-style: chr14-67784425-C-T. GRCh37 (hg19) VCF-style: chr14-68251142-C-T.
Other names: short protein forms V1179I.
Identifiers: ClinVar variation 4536736 (VCV004536736.1).